The following is an entry in ClinVar:

NM_001018115.3(FANCD2):c.3419T>G (p.Val1140Gly)

Genes: FANCD2 (FA complementation group D2; plus strand), FANCD2OS (FANCD2 opposite strand; minus strand). Cytogenetic location: 3p25.3.
Variant type: single nucleotide variant.
Coding change: c.3419T>G on transcript NM_001018115.3 (MANE Select); coding-DNA position 3419, T replaced by G.
Protein change: p.Val1140Gly; replaces valine 1140 with glycine.
Molecular consequence: missense variant. On other transcripts: intron variant (1).
Genome position (GRCh38, 1-based): chr3:10,087,217, T>G. VCF-style: chr3-10087217-T-G. GRCh37 (hg19) VCF-style: chr3-10128901-T-G.
Other names: c.3419T>G, p.Val1140Gly (NM_001319984.2, NM_001374254.1, NM_033084.6); c.3308T>G, p.Val1103Gly (NM_001374253.1); c.*44-5686A>C (NM_173472.2); short protein forms V1103G, V1140G.
Identifiers: ClinVar variation 1407275 (VCV001407275.44), dbSNP rs781064333, ClinGen allele CA2250377.

ClinVar aggregate classification (germline): Conflicting classifications of pathogenicity. Review status: criteria provided, conflicting classifications (1 of 4 stars). 2 submissions from 2 submitters: Uncertain significance (1); Benign (1). Last evaluated 2024-05-13.

Conditions:
Ovarian cancer. Also called: OVARIAN CANCER, SOMATIC. Identifiers: Orphanet 213500, MedGen C1140680, MONDO:0008170, OMIM 167000.
Fanconi anemia (FA). Also called: Fanconi's anemia. Identifiers: Orphanet 84, MedGen C0015625, MeSH D005199, MONDO:0019391.

Allele frequency attached by ClinVar (database versions not stated): gnomAD exomes 0.00003 and 0.00001; ExAC 0.00002.
gnomAD v4.1: 3 of 1,613,878 alleles (0.00019%); highest among the groups gnomAD compares: East Asian, 0.0067%; no homozygotes.

Submissions (2):

Labcorp Genetics (formerly Invitae), Labcorp
Classification: Uncertain significance for Fanconi anemia. Last evaluated: 2024-05-13. Review status: criteria provided, single submitter. Criteria: Invitae Variant Classification Sherloc (09022015). Collection method: clinical testing. Allele origin: germline.
Comment: This sequence change replaces valine, which is neutral and non-polar, with glycine, which is neutral and non-polar, at codon 1140 of the FANCD2 protein (p.Val1140Gly). This variant is present in population databases (rs781064333, gnomAD 0.05%). This variant has not been reported in the literature in individuals affected with FANCD2-related conditions. ClinVar contains an entry for this variant (Variation ID: 1407275). Advanced modeling of protein sequence and biophysical properties (such as structural, functional, and spatial information, amino acid conservation, physicochemical variation, residue mobility, and thermodynamic stability) performed at Invitae indicates that this missense variant is not expected to disrupt FANCD2 protein function with a negative predictive value of 80%. In summary, the available evidence is currently insufficient to determine the role of this variant in disease. Therefore, it has been classified as a Variant of Uncertain Significance.

Laboratory of Molecular Epidemiology of Birth Defects, West China Second University Hospital, Sichuan University
Classification: Benign for Ovarian cancer. Last evaluated: 2022-01-01. Review status: criteria provided, single submitter. Criteria: ACMG Guidelines, 2015. Collection method: clinical testing. Allele origin: germline. Affected: yes.